The following is an entry in ClinVar:

NM_002382.5(MAX):c.37-3_37-2insG

Gene: MAX (MYC associated transcriptional regulator X; minus strand). Cytogenetic location: 14q23.3.
Variant type: Insertion.
Coding change: c.37-3_37-2insG on transcript NM_002382.5 (MANE Select); 3 bases into the intron before coding-DNA position 37 through the canonical splice acceptor site of the intron before coding-DNA position 37, G inserted.
Molecular consequence: intron variant. On other transcripts: frameshift variant (1), non-coding transcript variant (1).
Genome position: GRCh38 VCF-style: chr14-65101574-T-TC. GRCh37 (hg19) VCF-style: chr14-65568292-T-TC.
Other names: c.57_58insG, p.Arg20fs (NM_001407114.1); c.36+729_36+730insG (NM_001271069.2, NM_001407095.1, NM_001407110.1 and 9 more transcripts); c.37-3_37-2insG (NM_197957.4, NM_001407094.1, NM_001407104.1 and 6 more transcripts); c.-305+934_-305+935insG (NM_001407112.1); c.-238-3_-238-2insG (NM_001407106.1, NM_001320415.2, NM_001407105.1); c.-212+729_-212+730insG (NM_001407107.1); c.-331-3_-331-2insG (NM_001407111.1); short protein forms R20fs.
Identifiers: ClinVar variation 2709523 (VCV002709523.3), dbSNP rs2504510740, ClinGen allele CA2697553971.
Genomic context (GRCh38, chr14:65,101,574, plus strand): 5'-AATAAAAATGAAATGGAGAGTAGGAGACGTACCGCAGATTGAAACCTCGGTTGCTCTTCC[T>TC]GGAATAAGAGAGAAAAAAAAAAATAGAAAATATAGAAGTTATTTTTACACTTAACATTCA-3'

ClinVar aggregate classification (germline): Uncertain significance (1 of 4 stars; one submission).

Conditions:
Hereditary pheochromocytoma and paraganglioma. Also called: Hereditary Paraganglioma-Pheochromocytoma Syndromes; Hereditary pheochromocytoma-paraganglioma; Hereditary paragangliomas and pheochromocytomas. Identifiers: Orphanet 29072, MedGen C4274332, MONDO:0017366.

Submission:

Labcorp Genetics (formerly Invitae), Labcorp
Classification: Uncertain significance for Hereditary pheochromocytoma and paraganglioma. Last evaluated: 2024-02-25. Review status: criteria provided, single submitter. Criteria: Invitae Variant Classification Sherloc (09022015). Collection method: clinical testing. Allele origin: germline.
Comment: This sequence change falls in intron 1 of the MAX gene. It does not directly change the encoded amino acid sequence of the MAX protein. It affects a nucleotide within the consensus splice site. This variant is not present in population databases (gnomAD no frequency). This variant has not been reported in the literature in individuals affected with MAX-related conditions. Variants that disrupt the consensus splice site are a relatively common cause of aberrant splicing (PMID: 17576681, 9536098). Algorithms developed to predict the effect of sequence changes on RNA splicing suggest that this variant may disrupt the consensus splice site. In summary, the available evidence is currently insufficient to determine the role of this variant in disease. Therefore, it has been classified as a Variant of Uncertain Significance.

Literature cited by the submitters: PubMed 17576681; PubMed 9536098.